The following is an entry in ClinVar:

NM_203446.3(SYNJ1):c.2796-2A>C

Gene: SYNJ1 (synaptojanin 1; minus strand). Cytogenetic location: 21q22.11.
Variant type: single nucleotide variant.
Coding change: c.2796-2A>C on transcript NM_203446.3 (MANE Select); the canonical splice acceptor site of the intron before coding-DNA position 2796, A replaced by C.
Molecular consequence: splice acceptor variant.
Genome position (GRCh38, 1-based): chr21:32,653,368, T>G on the plus strand (A>C on the coding strand, the complement: SYNJ1 is on the minus strand). VCF-style: chr21-32653368-T-G. GRCh37 (hg19) VCF-style: chr21-34025678-T-G.
Other names: c.2913-2A>C (NM_003895.4); c.2796-2A>C (NM_001160302.2); c.2781-2A>C (NM_001160306.2).
Identifiers: ClinVar variation 4784509 (VCV004784509.1).

ClinVar aggregate classification (germline): Likely pathogenic (1 of 4 stars; one submission).

Conditions:
Developmental and epileptic encephalopathy, 53. Also called: Epileptic encephalopathy, early infantile, 53. Identifiers: MedGen C4479313, MONDO:0033362, OMIM 617389.
Early-onset Parkinson disease 20. Also called: PARKINSON DISEASE 20, AUTOSOMAL RECESSIVE EARLY-ONSET. Identifiers: Orphanet 391411, MedGen C3809824, MONDO:0014233, OMIM 615530.

Submission:

Labcorp Genetics (formerly Invitae), Labcorp
Classification: Likely pathogenic for Developmental and epileptic encephalopathy, 53; Early-onset Parkinson disease 20. Last evaluated: 2025-03-23. Review status: criteria provided, single submitter. Criteria: Invitae Variant Classification Sherloc (09022015). Collection method: clinical testing. Allele origin: germline.
Comment: This sequence change affects an acceptor splice site in intron 21 of the SYNJ1 gene. It is expected to disrupt RNA splicing. Variants that disrupt the donor or acceptor splice site typically lead to a loss of protein function (PMID: 16199547), and loss-of-function variants in SYNJ1 are known to be pathogenic (PMID: 25316601, 27435091). This variant is not present in population databases (gnomAD no frequency). This variant has not been reported in the literature in individuals affected with SYNJ1-related conditions. Algorithms developed to predict the effect of sequence changes on RNA splicing suggest that this variant may disrupt the consensus splice site. In summary, the currently available evidence indicates that the variant is pathogenic, but additional data are needed to prove that conclusively. Therefore, this variant has been classified as Likely Pathogenic.

Literature cited by the submitters: PubMed 16199547; PubMed 25316601; PubMed 27435091.